The following is an entry in ClinVar:

ClinVar aggregate classification (germline): Uncertain significance (1 of 4 stars; one submission).

Conditions:
Autoimmune lymphoproliferative syndrome type 2A (ALPS2A). Also called: Autoimmune lymphoproliferative syndrome type 2; CASP10-Related Autoimmune Lymphoproliferative Syndrome; AUTOIMMUNE LYMPHOPROLIFERATIVE SYNDROME, TYPE IIA. Identifiers: Orphanet 3261, MedGen C1858968, MONDO:0011383, OMIM 603909.

Allele frequency attached by ClinVar (database versions not stated): gnomAD 0.00001.
gnomAD v4.1: 2 of 1,613,814 alleles (0.00012%); highest among the groups gnomAD compares: Admixed American, 0.0017%; no homozygotes.

Submission:

Labcorp Genetics (formerly Invitae), Labcorp
Classification: Uncertain significance for Autoimmune lymphoproliferative syndrome type 2A. Last evaluated: 2026-01-07. Review status: criteria provided, single submitter. Criteria: Invitae Variant Classification Sherloc (09022015). Collection method: clinical testing. Allele origin: germline.
Comment: This sequence change replaces leucine, which is neutral and non-polar, with valine, which is neutral and non-polar, at codon 70 of the CASP10 protein (p.Leu70Val). This variant is not present in population databases (gnomAD no frequency). This variant has not been reported in the literature in individuals affected with CASP10-related conditions. ClinVar contains an entry for this variant (Variation ID: 838561). Invitae Evidence Modeling of protein sequence and biophysical properties (such as structural, functional, and spatial information, amino acid conservation, physicochemical variation, residue mobility, and thermodynamic stability) indicates that this missense variant is not expected to disrupt CASP10 protein function with a negative predictive value of 80%. In summary, the available evidence is currently insufficient to determine the role of this variant in disease. Therefore, it has been classified as a Variant of Uncertain Significance.

NM_032977.4(CASP10):c.208C>G (p.Leu70Val)

Gene: CASP10 (caspase 10; plus strand). Cytogenetic location: 2q33.1.
Variant type: single nucleotide variant.
Coding change: c.208C>G on transcript NM_032977.4 (MANE Select); coding-DNA position 208, C replaced by G.
Protein change: p.Leu70Val; replaces leucine 70 with valine.
Molecular consequence: missense variant.
Genome position (GRCh38, 1-based): chr2:201,185,985, C>G. VCF-style: chr2-201185985-C-G. GRCh37 (hg19) VCF-style: chr2-202050708-C-G.
Other names: c.208C>G, p.Leu70Val (NM_001206524.2, NM_001206542.2, NM_001230.5 and 3 more transcripts); short protein forms L70V.
Identifiers: ClinVar variation 838561 (VCV000838561.50), dbSNP rs1944402071, ClinGen allele CA350277817.
Genomic context (GRCh38, chr2:201,185,985, plus strand): 5'-AAGAAGCTGGAGAAGTCCAGCTCAGCCTCAGATGTTTTTGAACATCTCTTGGCAGAGGAT[C>G]TGCTGAGTGAGGAAGACCCTTTCTTCCTGGCAGAACTCCTCTATATCATACGGCAGAAGA-3'
Protein context (NP_116759.2, residues 60-80): DVFEHLLAED[Leu70Val]LSEEDPFFLA